The following is an entry in ClinVar:

ClinVar aggregate classification (germline): Benign/Likely benign. Review status: criteria provided, multiple submitters, no conflicts (2 of 4 stars). 11 submissions from 11 submitters: Benign (8); Likely benign (2). 1 of the submissions does not count toward it. Last evaluated 2026-02-04.

Conditions:
Hermansky-Pudlak syndrome (HPS). Also called: ALBINISM WITH HEMORRHAGIC DIATHESIS AND PIGMENTED RETICULOENDOTHELIAL CELLS. Identifiers: Orphanet 79430, MedGen C0079504, MONDO:0019312.
Hermansky-Pudlak syndrome 1 (HPS1). Also called: DELTA STORAGE POOL DISEASE. Identifiers: Orphanet 231500, Orphanet 79430, MedGen C2931875, MONDO:0008748, OMIM 203300.

Allele frequency attached by ClinVar (database versions not stated): ESP Exome Variant Server 0.09311; TOPMed 0.10366; 1000 Genomes Project 30x 0.12117; 1000 Genomes Project 0.12440.
gnomAD v4.1: 147,438 of 1,613,882 alleles (9.1%); highest among the groups gnomAD compares: East Asian, 16%; 7,326 homozygotes.

Submissions (11):

Labcorp Genetics (formerly Invitae), Labcorp
Classification: Benign. Last evaluated: 2026-02-04. Review status: criteria provided, single submitter. Criteria: Invitae Variant Classification Sherloc (09022015). Collection method: clinical testing. Allele origin: germline.

Women's Health and Genetics/Laboratory Corporation of America, LabCorp
Classification: Likely benign. Last evaluated: 2025-02-09. Review status: criteria provided, single submitter. Criteria: LabCorp Variant Classification Summary - May 2015. Collection method: clinical testing. Allele origin: germline.

Blueprint Genetics
Classification: Likely benign. Last evaluated: 2024-11-27. Review status: criteria provided, single submitter. Criteria: ACMG Guidelines, 2015. Collection method: clinical testing. Allele origin: germline.

Mayo Clinic Laboratories, Mayo Clinic
Classification: Benign. Last evaluated: 2022-09-29. Review status: criteria provided, single submitter. Criteria: ACMG Guidelines, 2015. Collection method: clinical testing. Allele origin: germline. Observed: 109 variant alleles.

Genome-Nilou Lab
Classification: Benign for Hermansky-Pudlak syndrome 1. Last evaluated: 2021-07-10. Review status: criteria provided, single submitter. Criteria: ACMG Guidelines, 2015. Collection method: clinical testing. Allele origin: germline. Affected: no.

Illumina Laboratory Services, Illumina
Classification: Benign for Hermansky-Pudlak syndrome 1. Last evaluated: 2018-01-12. Review status: criteria provided, single submitter. Criteria: ICSL Variant Classification Criteria 13 December 2019. Collection method: clinical testing. Allele origin: germline.
Comment: This variant was observed in the ICSL laboratory as part of a predisposition screen in an ostensibly healthy population. It had not been previously curated by ICSL or reported in the Human Gene Mutation Database (HGMD: prior to June 1st, 2018), and was therefore a candidate for classification through an automated scoring system. Utilizing variant allele frequency, disease prevalence and penetrance estimates, and inheritance mode, an automated score was calculated to assess if this variant is too frequent to cause the disease. Based on the score and internal cut-off values, a variant classified as benign is not then subjected to further curation. The score for this variant resulted in a classification of benign for this disease.

GeneDx
Classification: Benign. Last evaluated: 2015-03-03. Review status: criteria provided, single submitter. Criteria: GeneDx Variant Classification Process June 2021. Collection method: clinical testing. Allele origin: germline. Affected: yes.

Laboratory for Molecular Medicine, Mass General Brigham Personalized Medicine
Classification: Benign. Last evaluated: 2013-02-21. Review status: criteria provided, single submitter. Criteria: LMM Criteria. Collection method: clinical testing. Allele origin: germline. Observed: 18 variant alleles.
Comment: Pro491Arg in exon 15 of HPS1: This variant is not expected to have clinical sign ificance because it has been identified in 11.0% (484/4406) of African American chromosomes from a broad population by the NHLBI Exome Sequencing Project (dbSNP rs2296434).

Breakthrough Genomics
Classification: Benign. Review status: criteria provided, single submitter. Criteria: ACMG Guidelines, 2015. Collection method: not provided. Allele origin: germline. Inheritance: Autosomal recessive inheritance. Affected: yes.

PreventionGenetics, part of Exact Sciences
Classification: Benign. Review status: criteria provided, single submitter. Criteria: ACMG Guidelines, 2015. Collection method: clinical testing. Allele origin: germline.

Natera, Inc.
Classification: Benign for Hermansky-Pudlak syndrome. Last evaluated: 2020-09-16. Review status: no assertion criteria provided. Collection method: clinical testing. Allele origin: germline. Not counted in ClinVar's aggregate classification.

NM_000195.5(HPS1):c.1472C>G (p.Pro491Arg)

Gene: HPS1 (HPS1 biogenesis of lysosomal organelles complex 3 subunit 1; minus strand). Cytogenetic location: 10q24.2.
Variant type: single nucleotide variant.
Coding change: c.1472C>G on transcript NM_000195.5 (MANE Select); coding-DNA position 1472, C replaced by G.
Protein change: p.Pro491Arg; replaces proline 491 with arginine.
Molecular consequence: missense variant.
Genome position (GRCh38, 1-based): chr10:98,423,813, G>C on the plus strand (C>G on the coding strand, the complement: HPS1 is on the minus strand). VCF-style: chr10-98423813-G-C. GRCh37 (hg19) VCF-style: chr10-100183570-G-C.
Other names: c.500C>G, p.Pro167Arg (NM_001311345.2, NM_001322487.2, NM_001322489.2); c.1472C>G, p.Pro491Arg (NM_001322476.2, NM_001322477.2); c.1373C>G, p.Pro458Arg (NM_001322478.2, NM_001322479.2); c.1211C>G, p.Pro404Arg (NM_001322480.2, NM_001322481.2); c.1112C>G, p.Pro371Arg (NM_001322482.2); c.1103C>G, p.Pro368Arg (NM_001322483.2, NM_001322484.2); c.1004C>G, p.Pro335Arg (NM_001322485.2); short protein forms P491R, P368R, P404R, P167R, P458R, P335R, P371R.
Identifiers: ClinVar variation 21094 (VCV000021094.28), dbSNP rs2296434, ClinGen allele CA176286.